The following is an entry in ClinVar:

ClinVar aggregate classification (germline): Uncertain significance. Review status: criteria provided, multiple submitters, no conflicts (2 of 4 stars). 3 submissions from 3 submitters: Uncertain significance (3). Last evaluated 2023-11-09.

Conditions:
Cardiovascular phenotype. Identifiers: MedGen CN230736.

Allele frequency attached by ClinVar (database versions not stated): ExAC 0.00001; gnomAD 0.00001; gnomAD exomes 0.00001.
gnomAD v4.1: 16 of 1,613,910 alleles (0.00099%); highest among the groups gnomAD compares: Non-Finnish European, 0.0013%; no homozygotes.

Submissions (3):

Ambry Genetics
Classification: Uncertain significance for Cardiovascular phenotype. Last evaluated: 2023-11-09. Review status: criteria provided, single submitter. Criteria: Ambry Variant Classification Scheme 2023. Collection method: clinical testing. Allele origin: germline.
Comment: The p.I75S variant (also known as c.224T>G), located in coding exon 2 of the FKBP14 gene, results from a T to G substitution at nucleotide position 224. The isoleucine at codon 75 is replaced by serine, an amino acid with dissimilar properties. This amino acid position is conserved. In addition, the in silico prediction for this alteration is inconclusive. Since supporting evidence is limited at this time, the clinical significance of this alteration remains unclear.

Blueprint Genetics
Classification: Uncertain significance. Last evaluated: 2023-05-26. Review status: criteria provided, single submitter. Criteria: ACMG Guidelines, 2015. Collection method: clinical testing. Allele origin: germline.

Mayo Clinic Laboratories, Mayo Clinic
Classification: Uncertain significance. Last evaluated: 2022-04-20. Review status: criteria provided, single submitter. Criteria: ACMG Guidelines, 2015. Collection method: clinical testing. Allele origin: germline. Observed: 1 variant allele.
Comment: PM2_supporting

NM_017946.4(FKBP14):c.224T>G (p.Ile75Ser)

Genes: FKBP14 (FKBP prolyl isomerase 14; minus strand), FKBP14-AS1 (FKBP14 antisense RNA 1; plus strand). Cytogenetic location: 7p14.3.
Variant type: single nucleotide variant.
Coding change: c.224T>G on transcript NM_017946.4 (MANE Select); coding-DNA position 224, T replaced by G.
Protein change: p.Ile75Ser; replaces isoleucine 75 with serine.
Molecular consequence: missense variant. On other transcripts: non-coding transcript variant (1).
Genome position (GRCh38, 1-based): chr7:30,022,790, A>C on the plus strand (T>G on the coding strand, the complement: FKBP14 is on the minus strand). VCF-style: chr7-30022790-A-C. GRCh37 (hg19) VCF-style: chr7-30062406-A-C.
Other names: p.Ile75Ser; c.224T>G (NM_017946.2); short protein forms I75S.
Identifiers: ClinVar variation 2682967 (VCV002682967.3), dbSNP rs763688956, ClinGen allele CA4203453.
Genomic context (GRCh38, chr7:30,022,790, plus strand): 5'-ATTCCTTTCAAGCCCTGGTCCCAACCTTTGAGAGCCTCCAGGATGCCCAGGGTAAACCAA[A>C]TGGGCTGACCATTGTTATGTTTGTGACTATGATAGAAATAAAACACATTAGAACTCCTTA-3'
Protein context (NP_060416.1, residues 65-85): STHKHNNGQP[Ile75Ser]WFTLGILEAL